The following is an entry in ClinVar:

ClinVar aggregate classification (germline): Uncertain significance. Review status: criteria provided, multiple submitters, no conflicts (2 of 4 stars). 3 submissions from 3 submitters: Uncertain significance (3). Last evaluated 2025-11-24.

Conditions:
Dilated cardiomyopathy 1G (CMD1G). Identifiers: Orphanet 154, MedGen C1858763, MONDO:0011400, OMIM 604145.
Autosomal recessive limb-girdle muscular dystrophy type 2J (LGMDR10). Also called: MUSCULAR DYSTROPHY, LIMB-GIRDLE, AUTOSOMAL RECESSIVE 10; Limb-girdle muscular dystrophy, type 2J. Identifiers: Orphanet 140922, MedGen C1837342, MONDO:0012127, OMIM 608807.
TTN-related disorder. Also called: TTN-related condition; TTN-related disease; TTN-related disorders.

Allele frequency attached by ClinVar (database versions not stated): TOPMed 0.00001; gnomAD 0.00002; ExAC 0.00003; gnomAD exomes 0.00004; ESP Exome Variant Server 0.00008.
gnomAD v4.1: 63 of 1,613,250 alleles (0.0039%); highest among the groups gnomAD compares: Middle Eastern, 0.049%; no homozygotes.

Submissions (3):

PreventionGenetics, part of Exact Sciences
Classification: Uncertain significance for TTN-related condition. Last evaluated: 2025-11-24. Review status: criteria provided, single submitter. Criteria: ACMG Guidelines, 2015. Collection method: clinical testing. Allele origin: germline.
Comment: The TTN c.102155G>A variant is predicted to result in the amino acid substitution p.Arg34052Gln. To our knowledge, this variant has not been reported in the literature. This variant is reported in 0.0065% of alleles in individuals of South Asian descent in gnomAD. At this time, the clinical significance of this variant is uncertain due to the absence of conclusive functional and genetic evidence.

Revvity Omics, Revvity
Classification: Uncertain significance. Last evaluated: 2023-11-09. Review status: criteria provided, single submitter. Criteria: ACMG Guidelines, 2015. Collection method: clinical testing. Allele origin: germline.

Labcorp Genetics (formerly Invitae), Labcorp
Classification: Uncertain significance for Dilated cardiomyopathy 1G; Autosomal recessive limb-girdle muscular dystrophy type 2J. Last evaluated: 2017-12-04. Review status: criteria provided, single submitter. Criteria: Invitae Variant Classification Sherloc (09022015). Collection method: clinical testing. Allele origin: germline.

NM_001267550.2(TTN):c.102155G>A (p.Arg34052Gln)

Genes: TTN (titin; minus strand), TTN-AS1 (TTN antisense RNA 1; plus strand). Cytogenetic location: 2q31.2.
Variant type: single nucleotide variant.
Coding change: c.102155G>A on transcript NM_001267550.2 (MANE Select); coding-DNA position 102155, G replaced by A.
Protein change: p.Arg34052Gln; replaces arginine 34052 with glutamine.
Molecular consequence: missense variant.
Genome position (GRCh38, 1-based): chr2:178,534,460, C>T on the plus strand (G>A on the coding strand, the complement: TTN is on the minus strand). VCF-style: chr2-178534460-C-T. GRCh37 (hg19) VCF-style: chr2-179399187-C-T.
Other names: c.97232G>A, p.Arg32411Gln (NM_001256850.1); c.74960G>A, p.Arg24987Gln (NM_003319.4); c.94451G>A, p.Arg31484Gln (NM_133378.4); c.75335G>A, p.Arg25112Gln (NM_133432.3); c.75536G>A, p.Arg25179Gln (NM_133437.4); short protein forms R34052Q, R25112Q, R25179Q, R31484Q, R32411Q, R24987Q.
Identifiers: ClinVar variation 535340 (VCV000535340.5), dbSNP rs369245991, ClinGen allele CA1985803.